The following is an entry in ClinVar:

ClinVar aggregate classification (germline): Uncertain significance (1 of 4 stars; one submission).

Conditions:
Neuropathy, hereditary sensory and autonomic, type 2A (HSAN2A). Also called: HSAN IIA; WNK1-Related HSAN2 (HSAN2A); ACROOSTEOLYSIS, GIACCAI TYPE; ACROOSTEOLYSIS, NEUROGENIC; MORVAN DISEASE; NEUROPATHY, CONGENITAL SENSORY. Identifiers: Orphanet 970, MedGen C2752089, MONDO:0024309, OMIM 201300.
Pseudohypoaldosteronism type 2C (PHA2C). Also called: Pseudohypoaldosteronism Type IIC. Identifiers: Orphanet 757, Orphanet 88940, MedGen C1840391, MONDO:0013778, OMIM 614492.

Submission:

Labcorp Genetics (formerly Invitae), Labcorp
Classification: Uncertain significance for Neuropathy, hereditary sensory and autonomic, type 2A; Pseudohypoaldosteronism type 2C. Last evaluated: 2024-12-12. Review status: criteria provided, single submitter. Criteria: Invitae Variant Classification Sherloc (09022015). Collection method: clinical testing. Allele origin: germline.
Comment: This sequence change creates a premature translational stop signal (p.Phe764Cysfs*6) in the WNK1 gene. While this is not anticipated to result in nonsense mediated decay, it is expected to disrupt the last 1871 amino acid(s) of the WNK1 protein. This variant is present in population databases (no rsID available, gnomAD 0.002%). This variant has not been reported in the literature in individuals affected with WNK1-related conditions. In summary, the available evidence is currently insufficient to determine the role of this variant in disease. Therefore, it has been classified as a Variant of Uncertain Significance.

NM_213655.5(WNK1):c.2291_2292del (p.Phe764fs)

Gene: WNK1 (WNK lysine deficient protein kinase 1; plus strand). Cytogenetic location: 12p13.33.
Variant type: Deletion.
Coding change: c.2291_2292del on transcript NM_213655.5 (MANE Plus Clinical); coding-DNA positions 2291 to 2292, 2 bases deleted (TT; older notation c.2291_2292delTT).
Protein change: p.Phe764fs; shifts the reading frame from phenylalanine 764.
Molecular consequence: frameshift variant. On other transcripts: intron variant (3).
Genome position (GRCh38, 1-based): chr12:865,261-865,262, TT deleted; deleting any 2 consecutive bases within chr12:865,259-865,262 gives the same sequence; the c. name uses the placement nearest the transcript's 3' end. VCF-style (leftmost placement, unchanged base first): chr12-865258-CTT-C. GRCh37 (hg19) VCF-style: chr12-974424-CTT-C.
Other names: c.2140-2605_2140-2604del (NM_001184985.2); c.2139+2991_2139+2992del (NM_018979.4, NM_014823.3); short protein forms F764fs.
Identifiers: ClinVar variation 3763783 (VCV003763783.2).